The following is an entry in ClinVar:

NM_000059.4(BRCA2):c.4319A>G (p.Lys1440Arg)

Gene: BRCA2 (BRCA2 DNA repair associated; plus strand). Cytogenetic location: 13q13.1.
Variant type: single nucleotide variant.
Coding change: c.4319A>G on transcript NM_000059.4 (MANE Select); coding-DNA position 4319, A replaced by G.
Protein change: p.Lys1440Arg; replaces lysine 1440 with arginine.
Molecular consequence: missense variant.
Genome position (GRCh38, 1-based): chr13:32,338,674, A>G. VCF-style: chr13-32338674-A-G. GRCh37 (hg19) VCF-style: chr13-32912811-A-G.
Other names: short protein forms K1440R.
Identifiers: ClinVar variation 51632 (VCV000051632.19), dbSNP rs80358669, ClinGen allele CA019980.
Genomic context (GRCh38, chr13:32,338,674, plus strand): 5'-ATTTTGAGACTTCTGATACATTTTTTCAGACTGCAAGTGGGAAAAATATTAGTGTCGCCA[A>G]AGAGTCATTTAATAAAATTGTAAATTTCTTTGATCAGAAACCAGAAGAATTGCATAACTT-3'
Protein context (NP_000050.3, residues 1430-1450): TASGKNISVA[Lys1440Arg]ESFNKIVNFF

ClinVar aggregate classification (germline): Conflicting classifications of pathogenicity. Review status: criteria provided, conflicting classifications (1 of 4 stars). 8 submissions from 8 submitters: Uncertain significance (4); Likely benign (2). 2 of the submissions do not count toward it. Last evaluated 2024-10-15.

Conditions:
Hereditary cancer-predisposing syndrome. Also called: Neoplastic Syndromes, Hereditary; Tumor predisposition; Hereditary Cancer Syndrome; Hereditary neoplastic syndrome. Identifiers: Orphanet 140162, MedGen C0027672, MeSH D009386, MONDO:0015356.
Hereditary breast ovarian cancer syndrome. Also called: Hereditary breast and ovarian cancer syndrome; Hereditary breast and ovarian cancer; Hereditary breast and ovarian cancer syndrome (HBOC); Breast and ovarian cancer; Hereditary breast and/or ovarian cancer syndrome; BRCA1- and BRCA2-Associated Hereditary Breast and Ovarian Cancer. Identifiers: Orphanet 145, MedGen C0677776, MeSH D061325, MONDO:0003582. Disease mechanism: loss of function.
Breast-ovarian cancer, familial, susceptibility to, 2 (BROVCA2). Also called: BRCA2 Hereditary Breast and Ovarian Cancer. Identifiers: Orphanet 145, MedGen C2675520, MONDO:0012933, OMIM 612555. Disease mechanism: loss of function.

Allele frequency attached by ClinVar (database versions not stated): ExAC 0.00001; gnomAD exomes 0.00001.
gnomAD v4.1: 11 of 1,596,062 alleles (0.00069%); highest among the groups gnomAD compares: South Asian, 0.0023%; no homozygotes.

Submissions (8):

Labcorp Genetics (formerly Invitae), Labcorp
Classification: Uncertain significance for Hereditary breast ovarian cancer syndrome. Last evaluated: 2024-10-15. Review status: criteria provided, single submitter. Criteria: Invitae Variant Classification Sherloc (09022015). Collection method: clinical testing. Allele origin: germline.
Comment: This sequence change replaces lysine, which is basic and polar, with arginine, which is basic and polar, at codon 1440 of the BRCA2 protein (p.Lys1440Arg). This variant is present in population databases (rs80358669, gnomAD 0.004%). This variant has not been reported in the literature in individuals affected with BRCA2-related conditions. ClinVar contains an entry for this variant (Variation ID: 51632). Invitae Evidence Modeling of protein sequence and biophysical properties (such as structural, functional, and spatial information, amino acid conservation, physicochemical variation, residue mobility, and thermodynamic stability) indicates that this missense variant is not expected to disrupt BRCA2 protein function with a negative predictive value of 95%. In summary, the available evidence is currently insufficient to determine the role of this variant in disease. Therefore, it has been classified as a Variant of Uncertain Significance.

Myriad Genetics, Inc.
Classification: Likely benign for Breast-ovarian cancer, familial, susceptibility to, 2. Last evaluated: 2024-03-06. Review status: criteria provided, single submitter. Criteria: Myriad Autosomal Dominant, Autosomal Recessive and X-Linked Classification Criteria (2023). Collection method: clinical testing. Allele origin: unknown.
Comment: This variant is considered likely benign. This variant is strongly associated with less severe personal and family histories of cancer, typical for individuals without pathogenic variants in this gene [PMID: 25085752].

All of Us Research Program, National Institutes of Health
Classification: Uncertain significance for Breast-ovarian cancer, familial, susceptibility to, 2. Last evaluated: 2023-12-07. Review status: criteria provided, single submitter. Criteria: ACMG Guidelines, 2015. Collection method: clinical testing. Allele origin: germline. Inheritance: Autosomal dominant inheritance. Observed: 2 variant alleles, 2 heterozygotes.
Comment: This study involves interpretation of variants in research participants for the purpose of population health screening. Participant phenotype was not available at the time of variant classification. Additional details can be found in publication PMID: 35346344, PMCID: PMC8962531

University of Washington Department of Laboratory Medicine, University of Washington
Classification: Likely benign for Hereditary cancer-predisposing syndrome. Last evaluated: 2023-03-23. Review status: criteria provided, single submitter. Criteria: Dines et al. (Genet Med. 2020). Collection method: curation. Allele origin: germline.
Comment: Missense variant in a coldspot region where missense variants are very unlikely to be pathogenic (PMID:31911673).

BRCA2 exon 11 coldspot. Reclassification based on statistical prior probability.

Ambry Genetics
Classification: Uncertain significance for Hereditary cancer-predisposing syndrome. Last evaluated: 2022-04-12. Review status: criteria provided, single submitter. Criteria: Ambry Variant Classification Scheme 2023. Collection method: clinical testing. Allele origin: germline.
Comment: The p.K1440R variant (also known as c.4319A>G), located in coding exon 10 of the BRCA2 gene, results from an A to G substitution at nucleotide position 4319. The lysine at codon 1440 is replaced by arginine, an amino acid with highly similar properties. Functional analysis of this variant in a BRCA2 ortholog revealed results largely similar to wildtype BRCA2, but some impact on RAD51 recruitment was observed (Yoshikawa Y et al. PLoS ONE, 2012;7:e45833). This variant was also observed in 1/3251 individuals who met eligibility criteria for hereditary breast and ovarian cancer syndrome. This amino acid position is well conserved in available vertebrate species. In addition, the in silico prediction for this alteration is inconclusive. Since supporting evidence is limited at this time, the clinical significance of this alteration remains unclear.

Institute for Clinical Genetics, University Hospital TU Dresden, University Hospital TU Dresden
Classification: Uncertain significance. Last evaluated: 2021-11-03. Review status: criteria provided, single submitter. Criteria: ACMG Guidelines, 2015. Collection method: clinical testing. Allele origin: germline.

Breast Cancer Information Core (BIC) (BRCA2)
Classification: Uncertain significance for Breast-ovarian cancer, familial 2. Last evaluated: 2007-01-18. Review status: no assertion criteria provided. Collection method: clinical testing. Allele origin: germline. Affected: yes. Observed: 1 variant allele. Not counted in ClinVar's aggregate classification.

Department of Pathology and Laboratory Medicine, Sinai Health System
Classification: Uncertain significance for Breast-ovarian cancer, familial, susceptibility to, 2. Review status: no assertion criteria provided. Collection method: clinical testing. Allele origin: unknown. Affected: yes. Observed: 1 variant allele. Study: The Canadian Open Genetics Repository (COGR). Not counted in ClinVar's aggregate classification.
Comment: The BRCA2 p.Lys1440Arg variant was not identified in the literature nor was it identified in GeneInsight-COGR, Cosmic, ARUP Laboratories, or Zhejiang University databases. The variant was identified in dbSNP (ID: rs80358669) as "With Uncertain significance allele", ClinVar (classified as uncertain significance by Invitae, Ambry Genetics, and BIC), MutDB, LOVD 3.0, UMD-LSDB (1x as unclassified variant), and in BIC (1x as unknown significance). The variant was identified in control databases in 2 of 238558 chromosomes at a frequency of 0.000008 (Genome Aggregation Database Feb 27, 2017). The variant was observed in the following populations: European in 1 of 109132 chromosomes (freq: 0.000009) and South Asian in 1 of 28378 chromosomes (freq: 0.00004), while the variant was not observed in the African, Other, Latino, Ashkenazi Jewish, East Asian, or Finnish populations. The p.Lys1440 residue is conserved in mammals but not in more distantly related organisms and computational analyses (SIFT, AlignGVGD, BLOSUM, MutationTaster) do not suggest a high likelihood of impact to the protein; this information is not predictive enough to rule out pathogenicity. The variant occurs outside of the splicing consensus sequence and in silico or computational prediction software programs (SpliceSiteFinder, MaxEntScan, NNSPLICE, GeneSplicer) do not predict a difference in splicing. In summary, based on the above information, the clinical significance of this variant cannot be determined with certainty at this time. This variant is classified as a variant of uncertain significance.

Literature cited by the submitters: PubMed 25085752 (cited by Myriad Genetics, Inc.); PubMed 23071527 (cited by Ambry Genetics); PubMed 32885271 (cited by Ambry Genetics).